The following is an entry in ClinVar:

ClinVar aggregate classification (germline): Uncertain significance (1 of 4 stars; one submission).

gnomAD v4.1: 1 of 1,614,134 alleles (0.000062%); highest among the groups gnomAD compares: Non-Finnish European, 0.000085%; no homozygotes.

Submission:

Labcorp Genetics (formerly Invitae), Labcorp
Classification: Uncertain significance. Last evaluated: 2024-09-11. Review status: criteria provided, single submitter. Criteria: Invitae Variant Classification Sherloc (09022015). Collection method: clinical testing. Allele origin: germline.
Comment: This sequence change replaces alanine, which is neutral and non-polar, with threonine, which is neutral and polar, at codon 406 of the ACVR1 protein (p.Ala406Thr). This variant is not present in population databases (gnomAD no frequency). This variant has not been reported in the literature in individuals affected with ACVR1-related conditions. An algorithm developed to predict the effect of missense changes on protein structure and function (PolyPhen-2) suggests that this variant is likely to be disruptive. In summary, the available evidence is currently insufficient to determine the role of this variant in disease. Therefore, it has been classified as a Variant of Uncertain Significance.

NM_001111067.4(ACVR1):c.1216G>A (p.Ala406Thr)

Gene: ACVR1 (activin A receptor type 1; minus strand). Cytogenetic location: 2q24.1.
Variant type: single nucleotide variant.
Coding change: c.1216G>A on transcript NM_001111067.4 (MANE Select); coding-DNA position 1216, G replaced by A.
Protein change: p.Ala406Thr; replaces alanine 406 with threonine.
Molecular consequence: missense variant.
Genome position (GRCh38, 1-based): chr2:157,760,928, C>T on the plus strand (G>A on the coding strand, the complement: ACVR1 is on the minus strand). VCF-style: chr2-157760928-C-T. GRCh37 (hg19) VCF-style: chr2-158617440-C-T.
Other names: c.1216G>A, p.Ala406Thr (NM_001347666.1, NM_001347667.2, NM_001105.5 and 3 more transcripts); short protein forms A406T.
Identifiers: ClinVar variation 3624408 (VCV003624408.2).